The following is an entry in ClinVar:

NM_004006.3(DMD):c.76A>G (p.Asn26Asp)

Gene: DMD (dystrophin; minus strand). Cytogenetic location: Xp21.1.
Variant type: single nucleotide variant.
Coding change: c.76A>G on transcript NM_004006.3 (MANE Select); coding-DNA position 76, A replaced by G.
Protein change: p.Asn26Asp; replaces asparagine 26 with aspartic acid.
Molecular consequence: missense variant. On other transcripts: 5 prime UTR variant (1).
Genome position (GRCh38, 1-based): chrX:33,020,156, T>C on the plus strand (A>G on the coding strand, the complement: DMD is on the minus strand). VCF-style: chrX-33020156-T-C. GRCh37 (hg19) VCF-style: chrX-33038273-T-C.
Other names: c.52A>G, p.Asn18Asp (NM_000109.4); c.64A>G, p.Asn22Asp (NM_004009.3); c.-294A>G (NM_004010.3); short protein forms N26D, N18D, N22D.
Identifiers: ClinVar variation 382300 (VCV000382300.46), dbSNP rs1057521321, ClinGen allele CA16608458.
Genomic context (GRCh38, chrX:33,020,156, plus strand): 5'-TCACAACTTAGATCTTAAAAGTAAAGTAACAAACCATTCTTACCTTAGAAAATTGTGCAT[T>C]TACCCATTTTGTGAATGTTTTCTTTTGAACATCTTCTCTTTCATCTAAAATGCAAAATAA-3'
Protein context (NP_003997.2, residues 16-36): VQKKTFTKWV[Asn26Asp]AQFSKFGKQH

ClinVar aggregate classification (germline): Conflicting classifications of pathogenicity. Review status: criteria provided, conflicting classifications (1 of 4 stars). 3 submissions from 3 submitters: Uncertain significance (2); Likely benign (1). Last evaluated 2019-11-06.

Submissions (3):

Revvity Omics, Revvity
Classification: Uncertain significance. Last evaluated: 2019-11-06. Review status: criteria provided, single submitter. Criteria: ACMG Guidelines, 2015. Collection method: clinical testing. Allele origin: germline.

CeGaT Center for Human Genetics Tuebingen
Classification: Uncertain significance. Last evaluated: 2018-04-01. Review status: criteria provided, single submitter. Criteria: CeGaT Center For Human Genetics Tuebingen Variant Classification Criteria Version 2. Collection method: clinical testing. Allele origin: germline. Affected: yes. Observed: 2 variant alleles.

GeneDx
Classification: Likely benign. Last evaluated: 2016-06-28. Review status: criteria provided, single submitter. Criteria: GeneDx Variant Classification (06012015). Collection method: clinical testing. Allele origin: germline. Affected: yes.
Comment: This variant is considered likely benign or benign based on one or more of the following criteria: it is a conservative change, it occurs at a poorly conserved position in the protein, it is predicted to be benign by multiple in silico algorithms, and/or has population frequency not consistent with disease.